The following is an entry in ClinVar:

ClinVar aggregate classification (germline): Likely benign (0 of 4 stars; one submission).

Conditions:
DYRK1B-related disorder. Also called: DYRK1B-related condition.

Allele frequency attached by ClinVar (database versions not stated): gnomAD exomes below 0.00001.
gnomAD v4.1: 1 of 1,614,188 alleles (0.000062%); highest among the groups gnomAD compares: East Asian, 0.0022%; no homozygotes.

Submission:

PreventionGenetics, part of Exact Sciences
Classification: Likely benign for DYRK1B-related condition. Last evaluated: 2019-07-30. Review status: no assertion criteria provided. Collection method: clinical testing. Allele origin: germline.
Comment: This variant is classified as likely benign based on ACMG/AMP sequence variant interpretation guidelines (Richards et al. 2015 PMID: 25741868, with internal and published modifications).

NM_004714.3(DYRK1B):c.270T>C (p.His90=)

Gene: DYRK1B (dual specificity tyrosine phosphorylation regulated kinase 1B; minus strand). Cytogenetic location: 19q13.2.
Variant type: single nucleotide variant.
Coding change: c.270T>C on transcript NM_004714.3 (MANE Select); coding-DNA position 270, T replaced by C.
Protein change: p.His90=; no amino-acid change (histidine 90 retained).
Molecular consequence: synonymous variant.
Genome position (GRCh38, 1-based): chr19:39,830,477, A>G on the plus strand (T>C on the coding strand, the complement: DYRK1B is on the minus strand). VCF-style: chr19-39830477-A-G. GRCh37 (hg19) VCF-style: chr19-40321117-A-G.
Other names: c.270T>C, p.His90= (NM_006483.3, NM_006484.3).
Identifiers: ClinVar variation 3034578 (VCV003034578.2), dbSNP rs868166543, ClinGen allele CA308300286.
Genomic context (GRCh38, chr19:39,830,477, plus strand): 5'-GCGCTCCAGCCAGCGCTCGCCACTGCGCACGATGTAGTCATGGTTGTCGTCATCATAACC[A>G]TGGTTCAGGACCTTCTTCTCCTTCTTGTTGCTCGAATCCTGGGGTGGCGCCTGCTGGGCC-3'
Protein context (NP_004705.1, residues 80-100): SNKKEKKVLN[His90=]GYDDDNHDYI